The following is an entry in ClinVar:

NM_020461.4(TUBGCP6):c.911dup (p.Gly305fs)

Gene: TUBGCP6 (tubulin gamma complex component 6; minus strand). Cytogenetic location: 22q13.33.
Variant type: Duplication.
Coding change: c.911dup on transcript NM_020461.4 (MANE Select); coding-DNA position 911, one base duplicated (C; older notation c.911dupC).
Protein change: p.Gly305fs; shifts the reading frame from glycine 305.
Molecular consequence: frameshift variant.
Genome position (GRCh38, 1-based): chr22:50,233,521, G duplicated on the plus strand (C on the coding strand, the reverse complement: TUBGCP6 is on the minus strand); the first of 6 consecutive G bases (chr22:50,233,521-50,233,526); duplicating any one gives the same sequence. VCF-style (leftmost placement, unchanged base first): chr22-50233520-A-AG. GRCh37 (hg19) VCF-style: chr22-50671949-A-AG.
Other names: short protein forms G305fs.
Identifiers: ClinVar variation 2798275 (VCV002798275.3), dbSNP rs2519178309, ClinGen allele CA2657500117.

ClinVar aggregate classification (germline): Pathogenic (1 of 4 stars; one submission).

Submission:

Labcorp Genetics (formerly Invitae), Labcorp
Classification: Pathogenic. Last evaluated: 2025-05-13. Review status: criteria provided, single submitter. Criteria: Invitae Variant Classification Sherloc (09022015). Collection method: clinical testing. Allele origin: germline.
Comment: This sequence change creates a premature translational stop signal (p.Gly305Trpfs*262) in the TUBGCP6 gene. It is expected to result in an absent or disrupted protein product. Loss-of-function variants in TUBGCP6 are known to be pathogenic (PMID: 25344692). This variant is not present in population databases (gnomAD no frequency). This variant has not been reported in the literature in individuals affected with TUBGCP6-related conditions. ClinVar contains an entry for this variant (Variation ID: 2798275). For these reasons, this variant has been classified as Pathogenic.

Literature cited by the submitters: PubMed 25344692.